The following is an entry in ClinVar:

NM_001846.4(COL4A2):c.3169C>G (p.Pro1057Ala)

Gene: COL4A2 (collagen type IV alpha 2 chain; plus strand). Cytogenetic location: 13q34.
Variant type: single nucleotide variant.
Coding change: c.3169C>G on transcript NM_001846.4 (MANE Select); coding-DNA position 3169, C replaced by G.
Protein change: p.Pro1057Ala; replaces proline 1057 with alanine.
Molecular consequence: missense variant.
Genome position (GRCh38, 1-based): chr13:110,485,798, C>G. VCF-style: chr13-110485798-C-G. GRCh37 (hg19) VCF-style: chr13-111138145-C-G.
Other names: c.3169C>G (NM_001846.3); short protein forms P1057A.
Identifiers: ClinVar variation 1315775 (VCV001315775.12), dbSNP rs201763437, ClinGen allele CA7050096.
Genomic context (GRCh38, chr13:110,485,798, plus strand): 5'-GGAGACATCGGAGTCCCCGGCATCCCCGGTTTGCCAGGATTCCCTGGGGTGGCTGGCCCC[C>G]CTGGAATTACGGGATTCCCAGGATTCATAGGAAGCCGGGTGAGTGGGCGTCTTTTACTCC-3'
Protein context (NP_001837.2, residues 1047-1067): LPGFPGVAGP[Pro1057Ala]GITGFPGFIG

ClinVar aggregate classification (germline): Conflicting classifications of pathogenicity. Review status: criteria provided, conflicting classifications (1 of 4 stars). 4 submissions from 4 submitters: Uncertain significance (2); Likely benign (2). Last evaluated 2026-07-29.

Conditions:
COL4A2-related disorder. Also called: COL4A2-related disorders; COL4A2-related condition.
Inborn genetic diseases. Identifiers: MedGen C0950123, MeSH D030342.

Allele frequency attached by ClinVar (database versions not stated): 1000 Genomes Project 30x 0.00016; ESP Exome Variant Server 0.00017; 1000 Genomes Project 0.00020.
gnomAD v4.1: 44 of 1,613,798 alleles (0.0027%); highest among the groups gnomAD compares: African/African-American, 0.049%; no homozygotes.

Submissions (4):

PreventionGenetics, part of Exact Sciences
Classification: Uncertain significance for COL4A2-related condition. Last evaluated: 2026-07-29. Review status: criteria provided, single submitter. Criteria: ACMG Guidelines, 2015. Collection method: clinical testing. Allele origin: germline.
Comment: The COL4A2 c.3169C>G variant is predicted to result in the amino acid substitution p.Pro1057Ala. To our knowledge, this variant has not been reported in the literature. This variant is reported in 0.058% of alleles in individuals of African descent in gnomAD. At this time, the clinical significance of this variant is uncertain due to the absence of conclusive functional and genetic evidence.

Labcorp Genetics (formerly Invitae), Labcorp
Classification: Likely benign. Last evaluated: 2023-09-06. Review status: criteria provided, single submitter. Criteria: Invitae Variant Classification Sherloc (09022015). Collection method: clinical testing. Allele origin: germline.

Ambry Genetics
Classification: Likely benign for Inborn genetic diseases. Last evaluated: 2022-07-19. Review status: criteria provided, single submitter. Criteria: Ambry Variant Classification Scheme 2023. Collection method: clinical testing. Allele origin: germline.

GeneDx
Classification: Uncertain significance. Last evaluated: 2020-01-30. Review status: criteria provided, single submitter. Criteria: GeneDx Variant Classification Process June 2021. Collection method: clinical testing. Allele origin: germline. Affected: yes.
Comment: In silico analysis, which includes protein predictors and evolutionary conservation, supports a deleterious effect; Has not been previously published as pathogenic or benign to our knowledge